The following is an entry in ClinVar:

NM_006767.4(LZTR1):c.1732A>G (p.Asn578Asp)

Gene: LZTR1 (leucine zipper like post translational regulator 1; plus strand). Cytogenetic location: 22q11.21.
Variant type: single nucleotide variant.
Coding change: c.1732A>G on transcript NM_006767.4 (MANE Select); coding-DNA position 1732, A replaced by G.
Protein change: p.Asn578Asp; replaces asparagine 578 with aspartic acid.
Molecular consequence: missense variant.
Genome position (GRCh38, 1-based): chr22:20,994,674, A>G. VCF-style: chr22-20994674-A-G. GRCh37 (hg19) VCF-style: chr22-21348963-A-G.
Other names: short protein forms N578D.
Identifiers: ClinVar variation 1779011 (VCV001779011.2), dbSNP rs2518621921, ClinGen allele CA410778139.

ClinVar aggregate classification (germline): Uncertain significance (1 of 4 stars; one submission).

Conditions:
Cardiovascular phenotype. Identifiers: MedGen CN230736.
Hereditary cancer-predisposing syndrome. Also called: Neoplastic Syndromes, Hereditary; Tumor predisposition; Hereditary Cancer Syndrome; Hereditary neoplastic syndrome. Identifiers: Orphanet 140162, MedGen C0027672, MeSH D009386, MONDO:0015356.

Submission:

Ambry Genetics
Classification: Uncertain significance for Cardiovascular phenotype; Hereditary cancer-predisposing syndrome. Last evaluated: 2021-05-27. Review status: criteria provided, single submitter. Criteria: Ambry Variant Classification Scheme 2023. Collection method: clinical testing. Allele origin: germline.
Comment: The p.N578D variant (also known as c.1732A>G), located in coding exon 15 of the LZTR1 gene, results from an A to G substitution at nucleotide position 1732. The asparagine at codon 578 is replaced by aspartic acid, an amino acid with highly similar properties. This amino acid position is highly conserved in available vertebrate species. In addition, the in silico prediction for this alteration is inconclusive. Since supporting evidence is limited at this time, the clinical significance of this alteration remains unclear.